The following is an entry in ClinVar:

ClinVar aggregate classification (germline): Uncertain significance. Review status: criteria provided, multiple submitters, no conflicts (2 of 4 stars). 4 submissions from 4 submitters: Uncertain significance (2). 2 of the submissions do not count toward it. Last evaluated 2025-08-29.

Conditions:
Hereditary cancer-predisposing syndrome. Also called: Tumor predisposition; Neoplastic Syndromes, Hereditary; Hereditary neoplastic syndrome; Hereditary Cancer Syndrome. Identifiers: Orphanet 140162, MedGen C0027672, MeSH D009386, MONDO:0015356.
Hereditary breast ovarian cancer syndrome. Also called: Hereditary breast and ovarian cancer; Hereditary breast and ovarian cancer syndrome (HBOC); Hereditary breast and/or ovarian cancer syndrome; Breast and ovarian cancer; Hereditary breast and ovarian cancer syndrome; BRCA1- and BRCA2-Associated Hereditary Breast and Ovarian Cancer. Identifiers: Orphanet 145, MedGen C0677776, MeSH D061325, MONDO:0003582. Disease mechanism: loss of function.
Breast-ovarian cancer, familial, susceptibility to, 2 (BROVCA2). Also called: BRCA2 Hereditary Breast and Ovarian Cancer. Identifiers: Orphanet 145, MedGen C2675520, MONDO:0012933, OMIM 612555. Disease mechanism: loss of function.

Allele frequency attached by ClinVar (database versions not stated): gnomAD exomes below 0.00001.
gnomAD v4.1: 1 of 1,611,438 alleles (0.000062%); highest among the groups gnomAD compares: African/African-American, 0.0013%; no homozygotes.

Submissions (4):

Labcorp Genetics (formerly Invitae), Labcorp
Classification: Uncertain significance for Hereditary breast ovarian cancer syndrome. Last evaluated: 2025-08-29. Review status: criteria provided, single submitter. Criteria: Invitae Variant Classification Sherloc (09022015). Collection method: clinical testing. Allele origin: germline.
Comment: This sequence change replaces asparagine, which is neutral and polar, with serine, which is neutral and polar, at codon 2346 of the BRCA2 protein (p.Asn2346Ser). This variant is not present in population databases (gnomAD no frequency). This variant has not been reported in the literature in individuals affected with BRCA2-related conditions. ClinVar contains an entry for this variant (Variation ID: 38080). Invitae Evidence Modeling of protein sequence and biophysical properties (such as structural, functional, and spatial information, amino acid conservation, physicochemical variation, residue mobility, and thermodynamic stability) indicates that this missense variant is not expected to disrupt BRCA2 protein function with a negative predictive value of 95%. In summary, the available evidence is currently insufficient to determine the role of this variant in disease. Therefore, it has been classified as a Variant of Uncertain Significance.

Ambry Genetics
Classification: Uncertain significance for Hereditary cancer-predisposing syndrome. Last evaluated: 2022-05-26. Review status: criteria provided, single submitter. Criteria: Ambry Variant Classification Scheme 2023. Collection method: clinical testing. Allele origin: germline.
Comment: The p.N2346S variant (also known as c.7037A>G and 7265A>G), located in coding exon 13 of the BRCA2 gene, results from an A to G substitution at nucleotide position 7037. The asparagine at codon 2346 is replaced by serine, an amino acid with highly similar properties. This variant was not reported in population based cohorts in the following databases: Database of Single Nucleotide Polymorphisms (dbSNP), NHLBI Exome Sequencing Project (ESP), and 1000 Genomes Project. In the ESP, this variant was not observed in 6503 samples (13006 alleles) with coverage at this position. To date, this alteration has been detected with an allele frequency of approximately 0.001% (greater than 105000 alleles tested) in our clinical cohort. This amino acid position is not well conserved in available vertebrate species. In addition, this alteration is predicted to be tolerated by in silico analysis. Since supporting evidence is limited at this time, the clinical significance of p.N2346S remains unclear.

Counsyl
Classification: Uncertain significance for Breast-ovarian cancer, familial, susceptibility to, 2. Last evaluated: 2017-03-14. Review status: no assertion criteria provided. Collection method: clinical testing. Allele origin: unknown. Not counted in ClinVar's aggregate classification.

Sharing Clinical Reports Project (SCRP)
Classification: Uncertain significance for Breast-ovarian cancer, familial 2. Last evaluated: 2011-06-20. Review status: no assertion criteria provided. Collection method: clinical testing. Allele origin: germline. Not counted in ClinVar's aggregate classification.

NM_000059.4(BRCA2):c.7037A>G (p.Asn2346Ser)

Gene: BRCA2 (BRCA2 DNA repair associated; plus strand). Cytogenetic location: 13q13.1.
Variant type: single nucleotide variant.
Coding change: c.7037A>G on transcript NM_000059.4 (MANE Select); coding-DNA position 7037, A replaced by G.
Protein change: p.Asn2346Ser; replaces asparagine 2346 with serine.
Molecular consequence: missense variant.
Genome position (GRCh38, 1-based): chr13:32,354,890, A>G. VCF-style: chr13-32354890-A-G. GRCh37 (hg19) VCF-style: chr13-32929027-A-G.
Other names: 7265A>G; short protein forms N2346S.
Identifiers: ClinVar variation 38080 (VCV000038080.8), dbSNP rs397507381, ClinGen allele CA024780.